The following is an entry in ClinVar:

NM_004104.5(FASN):c.6011+4G>A

Gene: FASN (fatty acid synthase; minus strand). Cytogenetic location: 17q25.3.
Variant type: single nucleotide variant.
Coding change: c.6011+4G>A on transcript NM_004104.5 (MANE Select); 4 bases into the intron after coding-DNA position 6011, G replaced by A.
Molecular consequence: intron variant.
Genome position (GRCh38, 1-based): chr17:82,082,319, C>T on the plus strand (G>A on the coding strand, the complement: FASN is on the minus strand). VCF-style: chr17-82082319-C-T. GRCh37 (hg19) VCF-style: chr17-80040195-C-T.
Identifiers: ClinVar variation 2187707 (VCV002187707.4), dbSNP rs1481698487, ClinGen allele CA628026713.

ClinVar aggregate classification (germline): Uncertain significance (1 of 4 stars; one submission).

Conditions:
Epileptic encephalopathy. Identifiers: MedGen C0543888, HP:0200134.

Submission:

Labcorp Genetics (formerly Invitae), Labcorp
Classification: Uncertain significance for Epileptic encephalopathy. Last evaluated: 2022-08-16. Review status: criteria provided, single submitter. Criteria: Invitae Variant Classification Sherloc (09022015). Collection method: clinical testing. Allele origin: germline.
Comment: This variant is present in population databases (no rsID available, gnomAD 0.0009%). This sequence change falls in intron 35 of the FASN gene. It does not directly change the encoded amino acid sequence of the FASN protein. It affects a nucleotide within the consensus splice site. In summary, the available evidence is currently insufficient to determine the role of this variant in disease. Therefore, it has been classified as a Variant of Uncertain Significance. This variant has not been reported in the literature in individuals affected with FASN-related conditions. Variants that disrupt the consensus splice site are a relatively common cause of aberrant splicing (PMID: 17576681, 9536098). Algorithms developed to predict the effect of sequence changes on RNA splicing suggest that this variant is not likely to affect RNA splicing.

Literature cited by the submitters: PubMed 17576681; PubMed 9536098.